The following is an entry in ClinVar:

NM_001429.4(EP300):c.6012G>T (p.Gln2004His)

Gene: EP300 (EP300 lysine acetyltransferase; plus strand). Cytogenetic location: 22q13.2.
Variant type: single nucleotide variant.
Coding change: c.6012G>T on transcript NM_001429.4 (MANE Select); coding-DNA position 6012, G replaced by T.
Protein change: p.Gln2004His; replaces glutamine 2004 with histidine.
Molecular consequence: missense variant.
Genome position (GRCh38, 1-based): chr22:41,177,723, G>T. VCF-style: chr22-41177723-G-T. GRCh37 (hg19) VCF-style: chr22-41573727-G-T.
Other names: c.5934G>T, p.Gln1978His (NM_001362843.2); short protein forms Q2004H, Q1978H.
Identifiers: ClinVar variation 4980834 (VCV004980834.1).

ClinVar aggregate classification (germline): Uncertain significance (1 of 4 stars; one submission).

Conditions:
EP300-related disorder. Also called: EP300-related condition; EP300-related disorders.

gnomAD v4.1: 23 of 1,613,716 alleles (0.0014%); highest among the groups gnomAD compares: Non-Finnish European, 0.0019%; no homozygotes.

Submission:

PreventionGenetics, part of Exact Sciences
Classification: Uncertain significance for EP300-related condition. Last evaluated: 2026-05-26. Review status: criteria provided, single submitter. Criteria: ACMG Guidelines, 2015. Collection method: clinical testing. Allele origin: germline.
Comment: The EP300 c.6012G>T variant is predicted to result in the amino acid substitution p.Gln2004His. To our knowledge, this variant has not been reported in the literature. This variant is reported in 0.0031% of alleles in individuals of European (Non-Finnish) descent in gnomAD. At this time, the clinical significance of this variant is uncertain due to the absence of conclusive functional and genetic evidence.